The following is an entry in ClinVar:

ClinVar aggregate classification (germline): Conflicting classifications of pathogenicity. Review status: criteria provided, conflicting classifications (1 of 4 stars). 4 submissions from 4 submitters: Uncertain significance (1); Likely benign (3). Last evaluated 2025-09-01.

Allele frequency attached by ClinVar (database versions not stated): TOPMed 0.00001; gnomAD 0.00002; gnomAD exomes 0.00005; ExAC 0.00019.

Submissions (4):

CeGaT Center for Human Genetics Tuebingen
Classification: Uncertain significance. Last evaluated: 2025-09-01. Review status: criteria provided, single submitter. Criteria: CeGaT Center For Human Genetics Tuebingen Variant Classification Criteria Version 2. Collection method: clinical testing. Allele origin: germline. Affected: yes. Observed: 1 variant allele.
Comment: MYO15A: PM2, BP2, BP4

Labcorp Genetics (formerly Invitae), Labcorp
Classification: Likely benign. Last evaluated: 2024-11-21. Review status: criteria provided, single submitter. Criteria: Invitae Variant Classification Sherloc (09022015). Collection method: clinical testing. Allele origin: germline.

Blueprint Genetics
Classification: Likely benign. Last evaluated: 2024-03-01. Review status: criteria provided, single submitter. Criteria: ACMG Guidelines, 2015. Collection method: clinical testing. Allele origin: germline.

GeneDx
Classification: Likely benign. Last evaluated: 2018-09-07. Review status: criteria provided, single submitter. Criteria: GeneDx Variant Classification Process June 2021. Collection method: clinical testing. Allele origin: germline. Affected: yes.
Comment: See Variant Classification Assertion Criteria.

NM_016239.4(MYO15A):c.8967+7C>G

Gene: MYO15A (myosin XVA; plus strand). Cytogenetic location: 17p11.2.
Variant type: single nucleotide variant.
Coding change: c.8967+7C>G on transcript NM_016239.4 (MANE Select); 7 bases into the intron after coding-DNA position 8967, C replaced by G.
Molecular consequence: intron variant.
Genome position (GRCh38, 1-based): chr17:18,157,907, C>G. VCF-style: chr17-18157907-C-G. GRCh37 (hg19) VCF-style: chr17-18061221-C-G.
Identifiers: ClinVar variation 1624254 (VCV001624254.17), dbSNP rs764005069, ClinGen allele CA8425321.